The following is an entry in ClinVar:

ClinVar aggregate classification (germline): Uncertain significance. Review status: criteria provided, multiple submitters, no conflicts (2 of 4 stars). 2 submissions from 2 submitters: Uncertain significance (2). Last evaluated 2025-12-01.

Allele frequency attached by ClinVar (database versions not stated): TOPMed 0.00001; ExAC 0.00002; gnomAD 0.00003; gnomAD exomes 0.00005; 1000 Genomes Project 30x 0.00016.

Submissions (2):

Labcorp Genetics (formerly Invitae), Labcorp
Classification: Uncertain significance. Last evaluated: 2025-12-01. Review status: criteria provided, single submitter. Criteria: Invitae Variant Classification Sherloc (09022015). Collection method: clinical testing. Allele origin: germline.
Comment: This sequence change replaces leucine, which is neutral and non-polar, with phenylalanine, which is neutral and non-polar, at codon 799 of the ARHGEF1 protein (p.Leu799Phe). This variant is present in population databases (rs782494222, gnomAD 0.004%). This variant has not been reported in the literature in individuals affected with ARHGEF1-related conditions. ClinVar contains an entry for this variant (Variation ID: 2074539). An algorithm developed to predict the effect of missense changes on protein structure and function (PolyPhen-2) suggests that this variant is likely to be disruptive. In summary, the available evidence is currently insufficient to determine the role of this variant in disease. Therefore, it has been classified as a Variant of Uncertain Significance.

Ambry Genetics
Classification: Uncertain significance. Last evaluated: 2025-08-26. Review status: criteria provided, single submitter. Criteria: Ambry Variant Classification Scheme 2023. Collection method: clinical testing. Allele origin: germline.

NM_004706.4(ARHGEF1):c.2350C>T (p.Leu784Phe)

Gene: ARHGEF1 (Rho guanine nucleotide exchange factor 1; plus strand). Cytogenetic location: 19q13.2.
Variant type: single nucleotide variant.
Coding change: c.2350C>T on transcript NM_004706.4 (MANE Select); coding-DNA position 2350, C replaced by T.
Protein change: p.Leu784Phe; replaces leucine 784 with phenylalanine.
Molecular consequence: missense variant. On other transcripts: non-coding transcript variant (2).
Genome position (GRCh38, 1-based): chr19:41,905,773, C>T. VCF-style: chr19-41905773-C-T. GRCh37 (hg19) VCF-style: chr19-42409925-C-T.
Other names: c.2518C>T, p.Leu840Phe (NM_001396000.1); c.2251C>T, p.Leu751Phe (NM_001396002.1, NM_001396004.1, NM_198977.2); c.2350C>T, p.Leu784Phe (NM_001396003.1, NM_001396006.1); c.2395C>T, p.Leu799Phe (NM_199002.2); c.2395C>T (NM_199002.1); short protein forms L784F, L840F, L751F, L799F.
Identifiers: ClinVar variation 2074539 (VCV002074539.5), dbSNP rs782494222, ClinGen allele CA9466688.
Genomic context (GRCh38, chr19:41,905,773, plus strand): 5'-CCCCCAGGGCCAGGGGTGTGGGGTCACCCAGCACTTCCTCCCCTCAGCACCCGAGAACCC[C>T]TCCTCAGCAGCTCTGAGAACGGCAATGGTGGCCGAGAGACGTCTCCAGCTGATGGTGAGA-3'
Protein context (NP_004697.2, residues 774-794): RPSPSSTREP[Leu784Phe]LSSSENGNGG